The following is an entry in ClinVar:

NM_001348716.2(KDM6B):c.567A>G (p.Gly189=)

Gene: KDM6B (lysine demethylase 6B; plus strand). Cytogenetic location: 17p13.1.
Variant type: single nucleotide variant.
Coding change: c.567A>G on transcript NM_001348716.2 (MANE Select); coding-DNA position 567, A replaced by G.
Protein change: p.Gly189=; no amino-acid change (glycine 189 retained).
Molecular consequence: synonymous variant.
Genome position (GRCh38, 1-based): chr17:7,846,596, A>G. VCF-style: chr17-7846596-A-G. GRCh37 (hg19) VCF-style: chr17-7749914-A-G.
Other names: c.567A>G, p.Gly189= (NM_001080424.2).
Identifiers: ClinVar variation 5038758 (VCV005038758.1).

ClinVar aggregate classification (germline): Likely benign (1 of 4 stars; one submission).

gnomAD v4.1: 215 of 1,614,040 alleles (0.013%); highest among the groups gnomAD compares: Admixed American, 0.035%; no homozygotes.

Submission:

CeGaT Center for Human Genetics Tuebingen
Classification: Likely benign. Last evaluated: 2026-08-01. Review status: criteria provided, single submitter. Criteria: CeGaT Center For Human Genetics Tuebingen Variant Classification Criteria Version 2. Collection method: clinical testing. Allele origin: germline. Affected: yes. Observed: 1 variant allele.
Comment: KDM6B: BP4, BP7